The following is an entry in ClinVar:

NM_001267550.2(TTN):c.83767A>C (p.Ile27923Leu)

Genes: TTN (titin; minus strand), TTN-AS1 (TTN antisense RNA 1; plus strand). Cytogenetic location: 2q31.2.
Variant type: single nucleotide variant.
Coding change: c.83767A>C on transcript NM_001267550.2 (MANE Select); coding-DNA position 83767, A replaced by C.
Protein change: p.Ile27923Leu; replaces isoleucine 27923 with leucine.
Molecular consequence: missense variant.
Genome position (GRCh38, 1-based): chr2:178,562,365, T>G on the plus strand (A>C on the coding strand, the complement: TTN is on the minus strand). VCF-style: chr2-178562365-T-G. GRCh37 (hg19) VCF-style: chr2-179427092-T-G.
Other names: c.78844A>C, p.Ile26282Leu (NM_001256850.1); c.56572A>C, p.Ile18858Leu (NM_003319.4); c.76063A>C, p.Ile25355Leu (NM_133378.4); c.56947A>C, p.Ile18983Leu (NM_133432.3); c.57148A>C, p.Ile19050Leu (NM_133437.4); short protein forms I18858L, I18983L, I19050L, I25355L, I26282L, I27923L.
Identifiers: ClinVar variation 2682556 (VCV002682556.1), dbSNP rs778728899, ClinGen allele CA1988873.

ClinVar aggregate classification (germline): Uncertain significance (1 of 4 stars; one submission).

gnomAD v4.1: 1 of 1,610,694 alleles (0.000062%); highest among the groups gnomAD compares: East Asian, 0.0022%; no homozygotes.

Submission:

Women's Health and Genetics/Laboratory Corporation of America, LabCorp
Classification: Uncertain significance. Last evaluated: 2023-11-15. Review status: criteria provided, single submitter. Criteria: LabCorp Variant Classification Summary - May 2015. Collection method: clinical testing. Allele origin: germline.
Comment: Variant summary: TTN c.76063A>C (p.Ile25355Leu) results in a conservative amino acid change located in the A-band domain of the encoded protein sequence. Three of four in-silico tools predict a benign effect of the variant on protein function. The variant allele was found at a frequency of 4.1e-06 in 244734 control chromosomes. The available data on variant occurrences in the general population are insufficient to allow any conclusion about variant significance. To our knowledge, no occurrence of c.76063A>C in individuals affected with Limb-Girdle Muscular Dystrophy, Type 2J and no experimental evidence demonstrating its impact on protein function have been reported. No submitters have cited clinical-significance assessments for this variant to ClinVar after 2014. Based on the evidence outlined above, the variant was classified as uncertain significance.